The following is an entry in ClinVar:

ClinVar aggregate classification (germline): Uncertain significance (1 of 4 stars; one submission).

Submission:

Labcorp Genetics (formerly Invitae), Labcorp
Classification: Uncertain significance. Last evaluated: 2022-05-13. Review status: criteria provided, single submitter. Criteria: Invitae Variant Classification Sherloc (09022015). Collection method: clinical testing. Allele origin: germline.
Comment: In summary, the available evidence is currently insufficient to determine the role of this variant in disease. Therefore, it has been classified as a Variant of Uncertain Significance. Algorithms developed to predict the effect of missense changes on protein structure and function are either unavailable or do not agree on the potential impact of this missense change (SIFT: "Tolerated"; PolyPhen-2: "Not Available"; Align-GVGD: "Class C0"). This variant has not been reported in the literature in individuals affected with PCLO-related conditions. This variant is not present in population databases (gnomAD no frequency). This sequence change replaces alanine, which is neutral and non-polar, with serine, which is neutral and polar, at codon 3355 of the PCLO protein (p.Ala3355Ser).

NM_033026.6(PCLO):c.10063G>T (p.Ala3355Ser)

Gene: PCLO (piccolo presynaptic cytomatrix protein; minus strand). Cytogenetic location: 7q21.11.
Variant type: single nucleotide variant.
Coding change: c.10063G>T on transcript NM_033026.6 (MANE Select); coding-DNA position 10063, G replaced by T.
Protein change: p.Ala3355Ser; replaces alanine 3355 with serine.
Molecular consequence: missense variant.
Genome position (GRCh38, 1-based): chr7:82,950,525, C>A on the plus strand (G>T on the coding strand, the complement: PCLO is on the minus strand). VCF-style: chr7-82950525-C-A. GRCh37 (hg19) VCF-style: chr7-82579841-C-A.
Other names: c.10063G>T, p.Ala3355Ser (NM_014510.3); short protein forms A3355S.
Identifiers: ClinVar variation 1958646 (VCV001958646.5), dbSNP rs1387464014, ClinGen allele CA367905708.